The following is an entry in ClinVar:

NM_005462.5(MAGEC1):c.1471_1472insA (p.Leu491fs)

Gene: MAGEC1 (MAGE family member C1; plus strand). Cytogenetic location: Xq27.2.
Variant type: Insertion.
Coding change: c.1471_1472insA on transcript NM_005462.5 (MANE Select); coding-DNA positions 1471 to 1472, A inserted.
Protein change: p.Leu491fs; shifts the reading frame from leucine 491.
Molecular consequence: frameshift variant.
Genome position: GRCh38 VCF-style: chrX-141906875-T-TA. GRCh37 (hg19) VCF-style: chrX-140994661-T-TA.
Other names: c.1471_1472insA (NM_005462.3); short protein forms L491fs.
Identifiers: ClinVar variation 2661571 (VCV002661571.26), dbSNP rs770280024, ClinGen allele CA10533683.

ClinVar aggregate classification (germline): Likely benign. Review status: criteria provided, single submitter (1 of 4 stars). 2 submissions from 2 submitters: Likely benign (1). 1 of the submissions does not count toward it. Last evaluated 2022-11-01.

Conditions:
Autism (AUTS). Also called: Autistic disorder; Autistic disorder of childhood onset. Identifiers: MedGen C0004352, MeSH D001321, MONDO:0005260, OMIM 209850, HP:0000717.

Allele frequency attached by ClinVar (database versions not stated): TOPMed 0.00004; gnomAD 0.00005; ExAC 0.00006; ESP Exome Variant Server 0.00010; 1000 Genomes Project 30x 0.00021.

Submissions (2):

CeGaT Center for Human Genetics Tuebingen
Classification: Likely benign. Last evaluated: 2022-11-01. Review status: criteria provided, single submitter. Criteria: CeGaT Center For Human Genetics Tuebingen Variant Classification Criteria Version 2. Collection method: clinical testing. Allele origin: germline. Affected: yes. Observed: 1 variant allele.
Comment: MAGEC1: BS2

Centre for Addiction & Mental Health
Classification: Uncertain significance for Autism. Review status: no assertion criteria provided. Collection method: research. Allele origin: maternal. Affected: yes. Observed: 1 hemizygote. Segregation with disease observed. Not counted in ClinVar's aggregate classification.
Comment: Gene not previously associated with disease; independent supportng evidence needed